The following is an entry in ClinVar:

NM_021098.3(CACNA1H):c.3238A>C (p.Thr1080Pro)

Gene: CACNA1H (calcium voltage-gated channel subunit alpha1 H; plus strand). Cytogenetic location: 16p13.3.
Variant type: single nucleotide variant.
Coding change: c.3238A>C on transcript NM_021098.3 (MANE Select); coding-DNA position 3238, A replaced by C.
Protein change: p.Thr1080Pro; replaces threonine 1080 with proline.
Molecular consequence: missense variant.
Genome position (GRCh38, 1-based): chr16:1,208,096, A>C. VCF-style: chr16-1208096-A-C. GRCh37 (hg19) VCF-style: chr16-1258096-A-C.
Other names: c.3238A>C, p.Thr1080Pro (NM_001005407.2); short protein forms T1080P.
Identifiers: ClinVar variation 1516160 (VCV001516160.8), dbSNP rs776256025, ClinGen allele CA7800693.

ClinVar aggregate classification (germline): Uncertain significance (1 of 4 stars; one submission).

Conditions:
Hyperaldosteronism, familial, type IV (HALD4). Also called: FH IV; ALDOSTERONISM, PRIMARY, AND HYPERTENSION. Identifiers: Orphanet 642671, MedGen C4310756, MONDO:0014875, OMIM 617027.
Idiopathic generalized epilepsy. Also called: Generalised epilepsy; EIG. Identifiers: MedGen C0270850, MONDO:0005579, OMIM 600669.

Submission:

Labcorp Genetics (formerly Invitae), Labcorp
Classification: Uncertain significance for Idiopathic generalized epilepsy; Hyperaldosteronism, familial, type IV. Last evaluated: 2021-03-12. Review status: criteria provided, single submitter. Criteria: Invitae Variant Classification Sherloc (09022015). Collection method: clinical testing. Allele origin: germline.
Comment: This variant has not been reported in the literature in individuals with CACNA1H-related conditions. In summary, the available evidence is currently insufficient to determine the role of this variant in disease. Therefore, it has been classified as a Variant of Uncertain Significance. Advanced modeling of protein sequence and biophysical properties (such as structural, functional, and spatial information, amino acid conservation, physicochemical variation, residue mobility, and thermodynamic stability) performed at Invitae indicates that this missense variant is not expected to disrupt CACNA1H protein function. The frequency data for this variant in the population databases is considered unreliable, as metrics indicate poor data quality at this position in the ExAC database. This sequence change replaces threonine with proline at codon 1080 of the CACNA1H protein (p.Thr1080Pro). The threonine residue is highly conserved and there is a small physicochemical difference between threonine and proline.